The following is an entry in ClinVar:

ClinVar aggregate classification (germline): Conflicting classifications of pathogenicity. Review status: criteria provided, conflicting classifications (1 of 4 stars). 3 submissions from 3 submitters: Likely pathogenic (1); Uncertain significance (2). Last evaluated 2025-03-16.

Conditions:
Early-infantile DEE. Also called: Early infantile epileptic encephalopathy; Early infantile epileptic encephalopathy with suppression bursts; Ohtahara syndrome. Identifiers: Orphanet 1934, MedGen C0393706, MONDO:0800491.
Seizures, benign familial neonatal, 1. Also called: KCNQ2-Related Self-Limited Familial Neonatal Epilepsy (SLFNE); Benign Neonatal Epilepsy 1; KCNQ2-Related Benign Familial Neonatal Epilepsy; Seizures, benign neonatal, 1. Identifiers: Orphanet 1949, MedGen C3149074, MONDO:0007365, OMIM 121200.

gnomAD v4.1: 1 of 1,613,706 alleles (0.000062%); no homozygotes.

Submissions (3):

GeneDx
Classification: Uncertain significance. Last evaluated: 2025-03-16. Review status: criteria provided, single submitter. Criteria: GeneDx Variant Classification Process June 2021. Collection method: clinical testing. Allele origin: germline. Affected: yes.
Comment: Identified in three individuals with infantile-onset seizures from a single family but not present in one family member with seizures and seizure onset was later than expected for individuals with KCNQ2-related epilepsy (PMID: 29215089); This substitution is predicted to be within the pore forming loop between S5 and S6 Transmembrane Segments; In silico analysis indicates that this missense variant does not alter protein structure/function; Not observed at significant frequency in large population cohorts (gnomAD); This variant is associated with the following publications: (PMID: 38923778, 29215089)

Labcorp Genetics (formerly Invitae), Labcorp
Classification: Uncertain significance for Early-infantile DEE. Last evaluated: 2022-11-23. Review status: criteria provided, single submitter. Criteria: Invitae Variant Classification Sherloc (09022015). Collection method: clinical testing. Allele origin: germline.
Comment: In summary, the available evidence is currently insufficient to determine the role of this variant in disease. Therefore, it has been classified as a Variant of Uncertain Significance. This variant disrupts the p.Asp259 amino acid residue in KCNQ2. Other variant(s) that disrupt this residue have been observed in individuals with KCNQ2-related conditions (PMID: 27535030), which suggests that this may be a clinically significant amino acid residue. Advanced modeling of protein sequence and biophysical properties (such as structural, functional, and spatial information, amino acid conservation, physicochemical variation, residue mobility, and thermodynamic stability) has been performed at Invitae for this missense variant, however the output from this modeling did not meet the statistical confidence thresholds required to predict the impact of this variant on KCNQ2 protein function. ClinVar contains an entry for this variant (Variation ID: 692196). This missense change has been observed in individual(s) with benign familial epilepsy (PMID: 29215089). It has also been observed to segregate with disease in related individuals. This variant is not present in population databases (gnomAD no frequency). This sequence change replaces aspartic acid, which is acidic and polar, with asparagine, which is neutral and polar, at codon 259 of the KCNQ2 protein (p.Asp259Asn).

Clinical Molecular Genetics Laboratory, Johns Hopkins All Children's Hospital
Classification: Likely pathogenic for Epilepsy, Benign Neonatal, 1. Last evaluated: 2019-10-04. Review status: criteria provided, single submitter. Criteria: ACMG Guidelines, 2015. Collection method: clinical testing. Allele origin: germline. Inheritance: Autosomal dominant inheritance. Affected: yes. Observed: 1 heterozygote.

Literature cited by the submitters: PubMed 27535030 (cited by Labcorp Genetics (formerly Invitae), Labcorp); PubMed 29215089 (cited by Labcorp Genetics (formerly Invitae), Labcorp).

NM_172107.4(KCNQ2):c.775G>A (p.Asp259Asn)

Gene: KCNQ2 (potassium voltage-gated channel subfamily Q member 2; minus strand). Cytogenetic location: 20q13.33.
Variant type: single nucleotide variant.
Coding change: c.775G>A on transcript NM_172107.4 (MANE Select); coding-DNA position 775, G replaced by A.
Protein change: p.Asp259Asn; replaces aspartic acid 259 with asparagine.
Molecular consequence: missense variant.
Genome position (GRCh38, 1-based): chr20:63,442,447, C>T on the plus strand (G>A on the coding strand, the complement: KCNQ2 is on the minus strand). VCF-style: chr20-63442447-C-T. GRCh37 (hg19) VCF-style: chr20-62073800-C-T.
Other names: c.775G>A, p.Asp259Asn (NM_004518.6, NM_172106.3, NM_172108.5 and 1 more transcripts); short protein forms D259N.
Identifiers: ClinVar variation 692196 (VCV000692196.10), dbSNP rs777257591, ClinGen allele CA9958737.